The following is an entry in ClinVar:

NM_178844.4(NLRC3):c.2526A>G (p.Arg842=)

Gene: NLRC3 (NLR family CARD domain containing 3; minus strand). Cytogenetic location: 16p13.3.
Variant type: single nucleotide variant.
Coding change: c.2526A>G on transcript NM_178844.4 (MANE Select); coding-DNA position 2526, A replaced by G.
Protein change: p.Arg842=; no amino-acid change (arginine 842 retained).
Molecular consequence: synonymous variant. On other transcripts: non-coding transcript variant (1).
Genome position (GRCh38, 1-based): chr16:3,549,219, T>C on the plus strand (A>G on the coding strand, the complement: NLRC3 is on the minus strand). VCF-style: chr16-3549219-T-C. GRCh37 (hg19) VCF-style: chr16-3599219-T-C.
Identifiers: ClinVar variation 103370 (VCV000103370.2), dbSNP rs199475942, ClinGen allele CA230483.

ClinVar aggregate classification (germline): not provided (0 of 4 stars; one submission).

Submission:

Human Evolutionary Genetics, Institut Pasteur
No classification provided. Review status: no classification provided. Collection method: not provided. Allele origin: germline.
ClinVar note: Converted during submission from untested to not provided.